The following is an entry in ClinVar:

ClinVar aggregate classification (germline): Pathogenic. Review status: criteria provided, multiple submitters, no conflicts (2 of 4 stars). 3 submissions from 3 submitters: Pathogenic (3). Last evaluated 2025-12-02.

Conditions:
Hereditary leiomyomatosis and renal cell cancer. Also called: MULTIPLE CUTANEOUS AND UTERINE LEIOMYOMATA 1, WITH OR WITHOUT RENAL CELL CARCINOMA; LEIOMYOMA, MULTIPLE CUTANEOUS; Familial leiomyomatosis; Multiple cutaneous leiomyomas; FH tumor predisposition syndrome; Reed syndrome. Identifiers: Orphanet 523, MedGen C1708350, MONDO:0007888, OMIM 150800, HP:0007437. Disease mechanism: loss of function.
Hereditary cancer-predisposing syndrome. Also called: Hereditary neoplastic syndrome; Neoplastic Syndromes, Hereditary; Hereditary Cancer Syndrome; Tumor predisposition. Identifiers: Orphanet 140162, MedGen C0027672, MeSH D009386, MONDO:0015356.

Submissions (3):

Myriad Genetics, Inc.
Classification: Pathogenic for Hereditary leiomyomatosis and renal cell cancer. Last evaluated: 2025-12-02. Review status: criteria provided, single submitter. Criteria: Myriad Autosomal Dominant, Autosomal Recessive and X-Linked Classification Criteria (2023). Collection method: clinical testing. Allele origin: unknown.
Comment: This variant is considered pathogenic. This variant creates a frameshift predicted to result in premature protein truncation.

Labcorp Genetics (formerly Invitae), Labcorp
Classification: Pathogenic. Last evaluated: 2025-04-23. Review status: criteria provided, single submitter. Criteria: Invitae Variant Classification Sherloc (09022015). Collection method: clinical testing. Allele origin: germline.
Comment: This sequence change creates a premature translational stop signal (p.Thr190Phefs*15) in the FH gene. It is expected to result in an absent or disrupted protein product. Loss-of-function variants in FH are known to be pathogenic (PMID: 11865300, 21398687). This variant is not present in population databases (gnomAD no frequency). This premature translational stop signal has been observed in individual(s) with hereditary leiomyomatosis and renal cell carcinoma (PMID: 24441663). This variant is also known as c.568delAC. ClinVar contains an entry for this variant (Variation ID: 529823). For these reasons, this variant has been classified as Pathogenic.

Ambry Genetics
Classification: Pathogenic for Hereditary cancer-predisposing syndrome. Last evaluated: 2019-05-20. Review status: criteria provided, single submitter. Criteria: Ambry Variant Classification Scheme 2023. Collection method: clinical testing. Allele origin: germline.
Comment: The c.568_569delAC pathogenic mutation, located in coding exon 5 of the FH gene, results from a deletion of two nucleotides at nucleotide positions 568 to 569, causing a translational frameshift with a predicted alternate stop codon (p.T190Ffs*15). This alteration was reported in one individual with early-onset renal cancer and a diagnosis of hereditary leiomyomatosis and renal cell carcinoma (HLRCC) (Chen YB et al. Am. J. Surg. Pathol. 2014 May;38:627-37). In addition to the clinical data presented in the literature, this alteration is expected to result in loss of function by premature protein truncation or nonsense-mediated mRNA decay. As such, this alteration is interpreted as a disease-causing mutation.

Literature cited by the submitters: PubMed 11865300 (cited by Labcorp Genetics (formerly Invitae), Labcorp); PubMed 21398687 (cited by Labcorp Genetics (formerly Invitae), Labcorp); PubMed 24441663 (cited by Labcorp Genetics (formerly Invitae), Labcorp and Ambry Genetics).

NM_000143.4(FH):c.568_569del (p.Thr190fs)

Gene: FH (fumarate hydratase; minus strand). Cytogenetic location: 1q43.
Variant type: Deletion.
Coding change: c.568_569del on transcript NM_000143.4 (MANE Select); coding-DNA positions 568 to 569, 2 bases deleted (AC; older notation c.568_569delAC).
Protein change: p.Thr190fs; shifts the reading frame from threonine 190.
Molecular consequence: frameshift variant.
Genome position (GRCh38, 1-based): chr1:241,508,772-241,508,773, GT deleted on the plus strand (AC on the coding strand, the reverse complement: FH is on the minus strand). VCF-style (leftmost placement, unchanged base first): chr1-241508771-AGT-A. GRCh37 (hg19) VCF-style: chr1-241672071-AGT-A.
Other names: c.568_569delAC (NM_000143.3); short protein forms T190fs.
Identifiers: ClinVar variation 529823 (VCV000529823.14), dbSNP rs1553341367, ClinGen allele CA658795647.